The following is an entry in ClinVar:

ClinVar aggregate classification (germline): Likely pathogenic (1 of 4 stars; one submission).

Submission:

CeGaT Center for Human Genetics Tuebingen
Classification: Likely pathogenic. Last evaluated: 2024-06-01. Review status: criteria provided, single submitter. Criteria: CeGaT Center For Human Genetics Tuebingen Variant Classification Criteria Version 2. Collection method: clinical testing. Allele origin: germline. Affected: yes. Observed: 1 variant allele.
Comment: DMRT1: PM2, PS2:Moderate, PP2, PP3

NM_021951.3(DMRT1):c.315C>G (p.Cys105Trp)

Gene: DMRT1 (doublesex and mab-3 related transcription factor 1; plus strand). Cytogenetic location: 9p24.3.
Variant type: single nucleotide variant.
Coding change: c.315C>G on transcript NM_021951.3 (MANE Select); coding-DNA position 315, C replaced by G.
Protein change: p.Cys105Trp; replaces cysteine 105 with tryptophan.
Molecular consequence: missense variant.
Genome position (GRCh38, 1-based): chr9:842,153, C>G. VCF-style: chr9-842153-C-G. GRCh37 (hg19) VCF-style: chr9-842153-C-G.
Other names: short protein forms C105W.
Identifiers: ClinVar variation 2673165 (VCV002673165.23), dbSNP rs778098130, ClinGen allele CA372774565.